The following is an entry in ClinVar:

ClinVar aggregate classification (germline): Pathogenic (1 of 4 stars; one submission).

Conditions:
Hereditary nonpolyposis colorectal neoplasms. Identifiers: MedGen C0009405, MeSH D003123.

Submission:

Labcorp Genetics (formerly Invitae), Labcorp
Classification: Pathogenic for Hereditary nonpolyposis colorectal neoplasms. Last evaluated: 2021-11-08. Review status: criteria provided, single submitter. Criteria: Invitae Variant Classification Sherloc (09022015). Collection method: clinical testing. Allele origin: germline.
Comment: For these reasons, this variant has been classified as Pathogenic. Algorithms developed to predict the effect of sequence changes on RNA splicing suggest that this variant may create or strengthen a splice site. This variant has not been reported in the literature in individuals affected with MSH6-related conditions. This variant is not present in population databases (gnomAD no frequency). This sequence change creates a premature translational stop signal (p.Thr1219Tyrfs*5) in the MSH6 gene. It is expected to result in an absent or disrupted protein product. Loss-of-function variants in MSH6 are known to be pathogenic (PMID: 18269114, 24362816).

Literature cited by the submitters: PubMed 18269114; PubMed 24362816.

NM_000179.3(MSH6):c.3653dup (p.Thr1219fs)

Gene: MSH6 (mutS homolog 6; plus strand). Cytogenetic location: 2p16.3.
Variant type: Duplication.
Coding change: c.3653dup on transcript NM_000179.3 (MANE Select); coding-DNA position 3653, one base duplicated (G; older notation c.3653dupG).
Protein change: p.Thr1219fs; shifts the reading frame from threonine 1219.
Molecular consequence: frameshift variant.
Genome position (GRCh38, 1-based): chr2:47,806,210, G duplicated; the last of 2 consecutive G bases (chr2:47,806,209-47,806,210); duplicating either gives the same sequence. VCF-style (leftmost placement, unchanged base first): chr2-47806208-A-AG. GRCh37 (hg19) VCF-style: chr2-48033347-A-AG.
Other names: c.3263dup, p.Thr1089fs (NM_001281492.2); c.2747dup, p.Thr917fs (NM_001281493.2, NM_001281494.2); short protein forms T917fs, T1089fs, T1219fs.
Identifiers: ClinVar variation 1442977 (VCV001442977.6), dbSNP rs2104536807, ClinGen allele CA2573134757.